The following is an entry in ClinVar:

ClinVar aggregate classification (germline): Uncertain significance. Review status: criteria provided, single submitter (1 of 4 stars). 2 submissions from 2 submitters: Uncertain significance (1). 1 of the submissions does not count toward it. Last evaluated 2021-08-13.

Conditions:
Autosomal recessive limb-girdle muscular dystrophy type 2C (LGMDR5). Also called: MUSCULAR DYSTROPHY, DUCHENNE-LIKE; MUSCULAR DYSTROPHY, LIMB-GIRDLE, AUTOSOMAL RECESSIVE 5. Identifiers: Orphanet 353, MedGen C0410173, MONDO:0009677, OMIM 253700. Disease mechanism: Affects gamma-sarcoglycan and also disrupts the integrity of the entire sarcoglycan complex..

Allele frequency attached by ClinVar (database versions not stated): gnomAD exomes below 0.00001.
gnomAD v4.1: 1 of 1,614,106 alleles (0.000062%); highest among the groups gnomAD compares: Non-Finnish European, 0.000085%; no homozygotes.

Submissions (2):

Labcorp Genetics (formerly Invitae), Labcorp
Classification: Uncertain significance for Autosomal recessive limb-girdle muscular dystrophy type 2C. Last evaluated: 2021-08-13. Review status: criteria provided, single submitter. Criteria: Invitae Variant Classification Sherloc (09022015). Collection method: clinical testing. Allele origin: germline.
Comment: This sequence change replaces valine with glycine at codon 184 of the SGCG protein (p.Val184Gly). The valine residue is highly conserved and there is a moderate physicochemical difference between valine and glycine. This variant is not present in population databases (ExAC no frequency). This missense change has been observed in individual(s) with clinical features of SGCG-related conditions (Invitae). Algorithms developed to predict the effect of missense changes on protein structure and function (SIFT, PolyPhen-2, Align-GVGD) all suggest that this variant is likely to be disruptive. In summary, the available evidence is currently insufficient to determine the role of this variant in disease. Therefore, it has been classified as a Variant of Uncertain Significance.

Natera, Inc.
Classification: Uncertain significance for Limb-girdle muscular dystrophy type 2C. Last evaluated: 2021-04-20. Review status: no assertion criteria provided. Collection method: clinical testing. Allele origin: germline. Not counted in ClinVar's aggregate classification.

NM_000231.3(SGCG):c.551T>G (p.Val184Gly)

Gene: SGCG (sarcoglycan gamma; plus strand). Cytogenetic location: 13q12.12.
Variant type: single nucleotide variant.
Coding change: c.551T>G on transcript NM_000231.3 (MANE Select); coding-DNA position 551, T replaced by G.
Protein change: p.Val184Gly; replaces valine 184 with glycine.
Molecular consequence: missense variant.
Genome position (GRCh38, 1-based): chr13:23,295,460, T>G. VCF-style: chr13-23295460-T-G. GRCh37 (hg19) VCF-style: chr13-23869599-T-G.
Other names: c.605T>G, p.Val202Gly (NM_001378244.1); c.551T>G, p.Val184Gly (NM_001378245.1, NM_001378246.1); short protein forms V184G, V202G.
Identifiers: ClinVar variation 643262 (VCV000643262.9), dbSNP rs1593095374, ClinGen allele CA387504350.